The following is an entry in ClinVar:

ClinVar aggregate classification (germline): Uncertain significance (1 of 4 stars; one submission).

Conditions:
Inborn genetic diseases. Identifiers: MedGen C0950123, MeSH D030342.

Submission:

Ambry Genetics
Classification: Uncertain significance for Inborn genetic diseases. Last evaluated: 2022-12-03. Review status: criteria provided, single submitter. Criteria: Ambry Variant Classification Scheme 2023. Collection method: clinical testing. Allele origin: germline.
Comment: The p.A194T variant (also known as c.580G>A), located in coding exon 3 of the ACD gene, results from a G to A substitution at nucleotide position 580. The alanine at codon 194 is replaced by threonine, an amino acid with similar properties. This amino acid position is conserved. In addition, this alteration is predicted to be tolerated by in silico analysis. Since supporting evidence is limited at this time, the clinical significance of this alteration remains unclear.

NM_001082486.2(ACD):c.322G>A (p.Ala108Thr)

Gene: ACD (ACD shelterin complex subunit and telomerase recruitment factor; minus strand). Cytogenetic location: 16q22.1.
Variant type: single nucleotide variant.
Coding change: c.322G>A on transcript NM_001082486.2 (MANE Select); coding-DNA position 322, G replaced by A.
Protein change: p.Ala108Thr; replaces alanine 108 with threonine.
Molecular consequence: missense variant.
Genome position (GRCh38, 1-based): chr16:67,659,716, C>T on the plus strand (G>A on the coding strand, the complement: ACD is on the minus strand). VCF-style: chr16-67659716-C-T. GRCh37 (hg19) VCF-style: chr16-67693619-C-T.
Other names: c.322G>A, p.Ala108Thr (NM_001410884.1); c.313G>A, p.Ala105Thr (NM_022914.3); short protein forms A105T, A108T.
Identifiers: ClinVar variation 2480745 (VCV002480745.2), dbSNP rs2543608914, ClinGen allele CA396355809.